The following is an entry in ClinVar:

ClinVar aggregate classification (germline): Conflicting classifications of pathogenicity. Review status: criteria provided, conflicting classifications (1 of 4 stars). 2 submissions from 2 submitters: Uncertain significance (1); Likely benign (1). Last evaluated 2020-01-07.

Conditions:
Rolandic epilepsy, impaired intellectual development, and speech dyspraxia, X-linked. Also called: Rolandic epilepsy, intellectual disability, and speech dyspraxia, X-linked; Rolandic epilepsy, impaired intellectual development, and speech dyspraxia. Identifiers: MedGen C1845070, MONDO:0010388, OMIM 300643.

Allele frequency attached by ClinVar (database versions not stated): TOPMed 0.00002; gnomAD exomes 0.00003; ExAC below 0.00001; gnomAD 0.00001.
gnomAD v4.1: 6 of 1,208,544 alleles (0.0005%); highest among the groups gnomAD compares: Admixed American, 0.013%; no homozygotes.

Submissions (2):

Labcorp Genetics (formerly Invitae), Labcorp
Classification: Uncertain significance for Rolandic epilepsy, impaired intellectual development, and speech dyspraxia, X-linked. Last evaluated: 2020-01-07. Review status: criteria provided, single submitter. Criteria: Invitae Variant Classification Sherloc (09022015). Collection method: clinical testing. Allele origin: germline.
Comment: Algorithms developed to predict the effect of missense changes on protein structure and function do not agree on the potential impact of this missense change (SIFT: "Tolerated"; PolyPhen-2: "Probably Damaging"; Align-GVGD: "Class C0"). In summary, the available evidence is currently insufficient to determine the role of this variant in disease. Therefore, it has been classified as a Variant of Uncertain Significance. This variant has not been reported in the literature in individuals with SRPX2-related disease. ClinVar contains an entry for this variant (Variation ID: 284208). The frequency data for this variant in the population databases is considered unreliable, as metrics indicate poor data quality at this position in the ExAC database. This sequence change replaces glycine with serine at codon 216 of the SRPX2 protein (p.Gly216Ser). The glycine residue is highly conserved and there is a small physicochemical difference between glycine and serine.

Eurofins Ntd Llc (ga)
Classification: Likely benign. Last evaluated: 2015-12-23. Review status: criteria provided, single submitter. Criteria: EGL Classification Definitions 2015. Collection method: clinical testing. Allele origin: germline. Observed: 2 variant alleles, 1 heterozygote, 1 hemizygote.

NM_014467.3(SRPX2):c.646G>A (p.Gly216Ser)

Gene: SRPX2 (sushi repeat containing protein X-linked 2; plus strand). Cytogenetic location: Xq22.1.
Variant type: single nucleotide variant.
Coding change: c.646G>A on transcript NM_014467.3 (MANE Select); coding-DNA position 646, G replaced by A.
Protein change: p.Gly216Ser; replaces glycine 216 with serine.
Molecular consequence: missense variant.
Genome position (GRCh38, 1-based): chrX:100,665,356, G>A. VCF-style: chrX-100665356-G-A. GRCh37 (hg19) VCF-style: chrX-99920353-G-A.
Other names: short protein forms G216S.
Identifiers: ClinVar variation 284208 (VCV000284208.12), dbSNP rs758845090, ClinGen allele CA10469539.